The following is an entry in ClinVar:

NM_198578.4(LRRK2):c.3777+7C>T

Gene: LRRK2 (leucine rich repeat kinase 2; plus strand). Cytogenetic location: 12q12.
Variant type: single nucleotide variant.
Coding change: c.3777+7C>T on transcript NM_198578.4 (MANE Select); 7 bases into the intron after coding-DNA position 3777, C replaced by T.
Molecular consequence: intron variant.
Genome position (GRCh38, 1-based): chr12:40,304,141, C>T. VCF-style: chr12-40304141-C-T. GRCh37 (hg19) VCF-style: chr12-40697943-C-T.
Identifiers: ClinVar variation 308629 (VCV000308629.47), dbSNP rs41286480, ClinGen allele CA6513994.

ClinVar aggregate classification (germline): Conflicting classifications of pathogenicity. Review status: criteria provided, conflicting classifications (1 of 4 stars). 6 submissions from 6 submitters: Uncertain significance (1); Benign (2); Likely benign (3). Last evaluated 2025-12-29.

Conditions:
Autosomal dominant Parkinson disease 8. Also called: Parkinson disease 8, susceptibility to; LRRK2-Related Parkinson Disease; Parkinson disease 8. Identifiers: Orphanet 411602, MedGen C1846862, MONDO:0011764, OMIM 607060.

Allele frequency attached by ClinVar (database versions not stated): 1000 Genomes Project 30x 0.00031; 1000 Genomes Project 0.00040; TOPMed 0.00088; gnomAD exomes 0.00096 and 0.00125; gnomAD 0.00097; ExAC 0.00118; ESP Exome Variant Server 0.00161.
gnomAD v4.1: 1,933 of 1,610,222 alleles (0.12%); highest among the groups gnomAD compares: Non-Finnish European, 0.15%; 3 homozygotes.

Submissions (6):

Labcorp Genetics (formerly Invitae), Labcorp
Classification: Benign for Autosomal dominant Parkinson disease 8. Last evaluated: 2025-12-29. Review status: criteria provided, single submitter. Criteria: Invitae Variant Classification Sherloc (09022015). Collection method: clinical testing. Allele origin: germline.

CeGaT Center for Human Genetics Tuebingen
Classification: Likely benign. Last evaluated: 2025-08-01. Review status: criteria provided, single submitter. Criteria: CeGaT Center For Human Genetics Tuebingen Variant Classification Criteria Version 2. Collection method: clinical testing. Allele origin: germline. Affected: yes. Observed: 2 variant alleles.
Comment: LRRK2: BP4, BS1

Blueprint Genetics
Classification: Likely benign. Last evaluated: 2024-11-11. Review status: criteria provided, single submitter. Criteria: ACMG Guidelines, 2015. Collection method: clinical testing. Allele origin: germline.

Athena Diagnostics
Classification: Benign. Last evaluated: 2021-05-28. Review status: criteria provided, single submitter. Criteria: Athena Diagnostics criteria. Collection method: clinical testing. Allele origin: unknown.

Centre for Mendelian Genomics, University Medical Centre Ljubljana
Classification: Uncertain significance for Autosomal dominant Parkinson disease 8. Last evaluated: 2018-10-24. Review status: criteria provided, single submitter. Criteria: ACMG Guidelines, 2015. Collection method: clinical testing. Allele origin: unknown. Affected: yes.
Comment: This variant was classified as: Uncertain significance. The available evidence on this variant's pathogenicity is insufficient or conflicting. The following ACMG criteria were applied in classifying this variant: PP3.

Illumina Laboratory Services, Illumina
Classification: Likely benign for Autosomal dominant Parkinson disease 8. Last evaluated: 2018-01-12. Review status: criteria provided, single submitter. Criteria: ICSL Variant Classification Criteria 13 December 2019. Collection method: clinical testing. Allele origin: germline.
Comment: This variant was observed in the ICSL laboratory as part of a predisposition screen in an ostensibly healthy population. It had not been previously curated by ICSL or reported in the Human Gene Mutation Database (HGMD: prior to June 1st, 2018), and was therefore a candidate for classification through an automated scoring system. Utilizing variant allele frequency, disease prevalence and penetrance estimates, and inheritance mode, an automated score was calculated to assess if this variant is too frequent to cause the disease. Based on the score and internal cut-off values, a variant classified as likely benign is not then subjected to further curation. The score for this variant resulted in a classification of likely benign for this disease.